The following is an entry in ClinVar:

NM_000152.5(GAA):c.424_440del (p.Ser142fs)

Gene: GAA (alpha glucosidase; plus strand). Cytogenetic location: 17q25.3.
Variant type: Deletion.
Coding change: c.424_440del on transcript NM_000152.5 (MANE Select); coding-DNA positions 424 to 440, 17 bases deleted (AGCTCCTCTGAAATGGG).
Protein change: p.Ser142fs; shifts the reading frame from serine 142.
Molecular consequence: frameshift variant.
Genome position (GRCh38, 1-based): chr17:80,105,010-80,105,026, AGCTCCTCTGAAATGGG deleted; deleting any 17 consecutive bases within chr17:80,105,009-80,105,026 gives the same sequence; the c. name uses the placement nearest the transcript's 3' end. VCF-style (leftmost placement, unchanged base first): chr17-80105008-TGAGCTCCTCTGAAATGG-T. GRCh37 (hg19) VCF-style: chr17-78078807-TGAGCTCCTCTGAAATGG-T.
Other names: c.424_440del, p.Ser142fs (NM_001079803.3, NM_001079804.3, NM_001406741.1 and 1 more transcripts); short protein forms S142fs.
Identifiers: ClinVar variation 2736671 (VCV002736671.4), dbSNP rs2510346727, ClinGen allele CA658795228.
Genomic context (GRCh38, chr17:80,105,008, plus strand): 5'-AGATGGGGCAGCCCTGGTGCTTCTTCCCACCCAGCTACCCCAGCTACAAGCTGGAGAACC[TGAGCTCCTCTGAAATGG>T]GCTACACGGCCACCCTGACCCGTACCACCCCCACCTTCTTCCCCAAGGACATCCTGACCC-3'

ClinVar aggregate classification (germline): Pathogenic. Review status: criteria provided, multiple submitters, no conflicts (2 of 4 stars). 2 submissions from 2 submitters: Pathogenic (2). Last evaluated 2026-07-01.

Conditions:
Glycogen storage disease, type II (IOPD). Also called: CARDIOMEGALIA GLYCOGENICA DIFFUSA; GLYCOGENOSIS, GENERALIZED, CARDIAC FORM; GSD II; Glycogen storage disease type 2; Acid maltase deficiency disease; Aglucosidase alfa. Identifiers: Orphanet 365, MedGen C0017921, MONDO:0009290, OMIM 232300.

Submissions (2):

Genomenon, Inc
Classification: Pathogenic for Glycogen storage disease, type II. Last evaluated: 2026-07-01. Review status: criteria provided, single submitter. Criteria: Genomenon Sequence Variant Interpretation Standards - Updated. Collection method: curation. Allele origin: germline. Affected: yes.
Comment: GAA p.Ser142LeufsTer29 (c.424_440del) is a frameshift variant that is predicted to introduce a premature termination codon and result in a truncated or absent protein product. This variant has been observed in at least one proband with a GAA-related disorder (PMID:36137614;34966699;19948615). It is absent or not present at a significant frequency in gnomAD. In conclusion, we classify GAA p.Ser142LeufsTer29 (c.424_440del) as a pathogenic variant.

Labcorp Genetics (formerly Invitae), Labcorp
Classification: Pathogenic for Glycogen storage disease, type II. Last evaluated: 2023-07-19. Review status: criteria provided, single submitter. Criteria: Invitae Variant Classification Sherloc (09022015). Collection method: clinical testing. Allele origin: germline.
Comment: For these reasons, this variant has been classified as Pathogenic. This premature translational stop signal has been observed in individual(s) with Pompe disease (PMID: 20080426). This variant is not present in population databases (gnomAD no frequency). This sequence change creates a premature translational stop signal (p.Ser142Leufs*29) in the GAA gene. It is expected to result in an absent or disrupted protein product. Loss-of-function variants in GAA are known to be pathogenic (PMID: 18425781, 22252923).

Literature cited by the submitters: PubMed 36137614 (cited by Genomenon, Inc); PubMed 34966699 (cited by Genomenon, Inc); PubMed 19948615 (cited by Genomenon, Inc); PubMed 20080426 (cited by Labcorp Genetics (formerly Invitae), Labcorp); PubMed 18425781 (cited by Labcorp Genetics (formerly Invitae), Labcorp); PubMed 22252923 (cited by Labcorp Genetics (formerly Invitae), Labcorp).